The following is an entry in ClinVar:

ClinVar aggregate classification (germline): Benign. Review status: criteria provided, multiple submitters, no conflicts (2 of 4 stars). 3 submissions from 3 submitters: Benign (3). Last evaluated 2018-06-16.

Allele frequency attached by ClinVar (database versions not stated): 1000 Genomes Project 0.23403; ESP Exome Variant Server 0.27346; 1000 Genomes Project 30x 0.23532; TOPMed 0.26788; gnomAD exomes 0.31955; gnomAD 0.28069.
gnomAD v4.1: 418,371 of 1,332,424 alleles (31%); highest among the groups gnomAD compares: Non-Finnish European, 33%; 67,155 homozygotes.

Submissions (3):

GeneDx
Classification: Benign. Last evaluated: 2018-06-16. Review status: criteria provided, single submitter. Criteria: GeneDx Variant Classification (06012015). Collection method: clinical testing. Allele origin: germline. Affected: yes.
Comment: This variant is considered likely benign or benign based on one or more of the following criteria: it is a conservative change, it occurs at a poorly conserved position in the protein, it is predicted to be benign by multiple in silico algorithms, and/or has population frequency not consistent with disease.

Breakthrough Genomics
Classification: Benign. Review status: criteria provided, single submitter. Criteria: ACMG Guidelines, 2015. Collection method: not provided. Allele origin: germline. Inheritance: Autosomal recessive inheritance. Affected: yes.

PreventionGenetics, part of Exact Sciences
Classification: Benign. Review status: criteria provided, single submitter. Criteria: ACMG Guidelines, 2015. Collection method: clinical testing. Allele origin: germline.

NM_001853.4(COL9A3):c.477+33G>A

Gene: COL9A3 (collagen type IX alpha 3 chain; plus strand). Cytogenetic location: 20q13.33.
Variant type: single nucleotide variant.
Coding change: c.477+33G>A on transcript NM_001853.4 (MANE Select); 33 bases into the intron after coding-DNA position 477, G replaced by A.
Molecular consequence: intron variant.
Genome position (GRCh38, 1-based): chr20:62,822,197, G>A. VCF-style: chr20-62822197-G-A. GRCh37 (hg19) VCF-style: chr20-61453549-G-A.
Other names: c.477+33G>A (LRG_1253t1).
Identifiers: ClinVar variation 258425 (VCV000258425.3), dbSNP rs2294988, ClinGen allele CA9949291.